The following is an entry in ClinVar:

ClinVar aggregate classification (germline): Uncertain significance (1 of 4 stars; one submission).

Submission:

Ambry Genetics
Classification: Uncertain significance. Last evaluated: 2026-02-24. Review status: criteria provided, single submitter. Criteria: Ambry Variant Classification Scheme 2023. Collection method: clinical testing. Allele origin: germline.
Comment: The p.D12E variant (also known as c.36C>A), located in coding exon 1 of the CDK12 gene, results from a C to A substitution at nucleotide position 36. The aspartic acid at codon 12 is replaced by glutamic acid, an amino acid with highly similar properties. This amino acid position is conserved. In addition, this alteration is predicted to be tolerated by in silico analysis. Based on the available evidence, the clinical significance of this variant remains unclear.

NM_016507.4(CDK12):c.36C>A (p.Asp12Glu)

Genes: CDK12 (cyclin dependent kinase 12; plus strand), LOC126862553 (CDK7 strongly-dependent group 2 enhancer GRCh37_chr17:37618166-37619365; plus strand). Cytogenetic location: 17q12.
Variant type: single nucleotide variant.
Coding change: c.36C>A on transcript NM_016507.4 (MANE Select); coding-DNA position 36, C replaced by A.
Protein change: p.Asp12Glu; replaces aspartic acid 12 with glutamic acid.
Molecular consequence: missense variant.
Genome position (GRCh38, 1-based): chr17:39,462,107, C>A. VCF-style: chr17-39462107-C-A. GRCh37 (hg19) VCF-style: chr17-37618360-C-A.
Other names: c.36C>A, p.Asp12Glu (NM_015083.4); short protein forms D12E.
Identifiers: ClinVar variation 4825935 (VCV004825935.1).